The following is an entry in ClinVar:

NM_000138.5(FBN1):c.3238C>T (p.Leu1080Phe)

Gene: FBN1 (fibrillin 1; minus strand). Cytogenetic location: 15q21.1.
Variant type: single nucleotide variant.
Coding change: c.3238C>T on transcript NM_000138.5 (MANE Select); coding-DNA position 3238, C replaced by T.
Protein change: p.Leu1080Phe; replaces leucine 1080 with phenylalanine.
Molecular consequence: missense variant.
Genome position (GRCh38, 1-based): chr15:48,488,212, G>A on the plus strand (C>T on the coding strand, the complement: FBN1 is on the minus strand). VCF-style: chr15-48488212-G-A. GRCh37 (hg19) VCF-style: chr15-48780409-G-A.
Other names: c.3238C>T, p.Leu1080Phe (NM_001406716.1); short protein forms L1080F.
Identifiers: ClinVar variation 2001611 (VCV002001611.5), dbSNP rs2505552756, ClinGen allele CA392327578.
Genomic context (GRCh38, chr15:48,488,212, plus strand): 5'-CTTCGTCACACTTGCATTCAAAGTCCCCAGGGGTGTTCACACACTGGCCTCTGCCACAGA[G>A]GTCAGGAGATATGCGGCATTCGTCAATGTCTGCACAAAAACAGCAAGTGGCAGCAAATGA-3'
Protein context (NP_000129.3, residues 1070-1090): DIDECRISPD[Leu1080Phe]CGRGQCVNTP

ClinVar aggregate classification (germline): Uncertain significance. Review status: criteria provided, multiple submitters, no conflicts (2 of 4 stars). 2 submissions from 2 submitters: Uncertain significance (2). Last evaluated 2023-08-15.

Conditions:
Familial thoracic aortic aneurysm and aortic dissection (TAAD). Also called: Thoracic aortic aneurysms and dissections. Identifiers: Orphanet 91387, MedGen C4707243, MONDO:0019625.
Marfan syndrome (MFS). Also called: MARFAN SYNDROME, TYPE I; Marfan syndrome type 1; Marfan's syndrome; Marfan syndrome, classic; FBN1-Related Marfan Syndrome. Identifiers: Orphanet 284963, Orphanet 558, MedGen C0024796, MONDO:0007947, OMIM 154700.

Allele frequency attached by ClinVar (database versions not stated): gnomAD exomes below 0.00001.
gnomAD v4.1: 1 of 1,614,208 alleles (0.000062%); highest among the groups gnomAD compares: Non-Finnish European, 0.000085%; no homozygotes.

Submissions (2):

All of Us Research Program, National Institutes of Health
Classification: Uncertain significance for Marfan syndrome. Last evaluated: 2023-08-15. Review status: criteria provided, single submitter. Criteria: ACMG Guidelines, 2015. Collection method: clinical testing. Allele origin: germline. Inheritance: Autosomal dominant inheritance. Observed: 1 variant allele, 1 heterozygote.
Comment: This missense variant replaces leucine with phenylalanine at codon 1080 of the FBN1 protein. Computational prediction is inconclusive regarding the impact of this variant on protein structure and function (internally defined REVEL score threshold 0.5 < inconclusive < 0.7, PMID: 27666373). To our knowledge, functional studies have not been reported for this variant. This variant has not been reported in individuals affected with FBN1-related disorders in the literature. This variant has not been identified in the general population by the Genome Aggregation Database (gnomAD). The available evidence is insufficient to determine the role of this variant in disease conclusively. Therefore, this variant is classified as a Variant of Uncertain Significance.

This study involves interpretation of variants in research participants for the purpose of population health screening. Participant phenotype was not available at the time of variant classification. Additional details can be found in publication PMID: 35346344, PMCID: PMC8962531

Labcorp Genetics (formerly Invitae), Labcorp
Classification: Uncertain significance for Marfan syndrome; Familial thoracic aortic aneurysm and aortic dissection. Last evaluated: 2022-06-01. Review status: criteria provided, single submitter. Criteria: Invitae Variant Classification Sherloc (09022015). Collection method: clinical testing. Allele origin: germline.
Comment: In summary, the available evidence is currently insufficient to determine the role of this variant in disease. Therefore, it has been classified as a Variant of Uncertain Significance. Algorithms developed to predict the effect of missense changes on protein structure and function are either unavailable or do not agree on the potential impact of this missense change (SIFT: "Tolerated"; PolyPhen-2: "Possibly Damaging"; Align-GVGD: "Class C0"). This variant has not been reported in the literature in individuals affected with FBN1-related conditions. This variant is not present in population databases (gnomAD no frequency). This sequence change replaces leucine, which is neutral and non-polar, with phenylalanine, which is neutral and non-polar, at codon 1080 of the FBN1 protein (p.Leu1080Phe).